The following is an entry in ClinVar:

ClinVar aggregate classification (germline): Uncertain significance (1 of 4 stars; one submission).

Allele frequency attached by ClinVar (database versions not stated): gnomAD exomes below 0.00001; ExAC 0.00001; gnomAD 0.00001; TOPMed 0.00001.
gnomAD v4.1: 2 of 1,613,874 alleles (0.00012%); highest among the groups gnomAD compares: African/African-American, 0.0027%; no homozygotes.

Submission:

Labcorp Genetics (formerly Invitae), Labcorp
Classification: Uncertain significance. Last evaluated: 2024-02-24. Review status: criteria provided, single submitter. Criteria: Invitae Variant Classification Sherloc (09022015). Collection method: clinical testing. Allele origin: germline.
Comment: This sequence change replaces phenylalanine with leucine at codon 1312 of the POLR1A protein (p.Phe1312Leu). The phenylalanine residue is weakly conserved and there is a small physicochemical difference between phenylalanine and leucine. This variant is present in population databases (rs759115059, gnomAD 0.007%). This variant has not been reported in the literature in individuals affected with POLR1A-related conditions. ClinVar contains an entry for this variant (Variation ID: 1382828). Advanced modeling of protein sequence and biophysical properties (such as structural, functional, and spatial information, amino acid conservation, physicochemical variation, residue mobility, and thermodynamic stability) performed at Invitae indicates that this missense variant is not expected to disrupt POLR1A protein function with a negative predictive value of 80%. In summary, the available evidence is currently insufficient to determine the role of this variant in disease. Therefore, it has been classified as a Variant of Uncertain Significance.

NM_015425.6(POLR1A):c.3936C>G (p.Phe1312Leu)

Gene: POLR1A (RNA polymerase I subunit A; minus strand). Cytogenetic location: 2p11.2.
Variant type: single nucleotide variant.
Coding change: c.3936C>G on transcript NM_015425.6 (MANE Select); coding-DNA position 3936, C replaced by G.
Protein change: p.Phe1312Leu; replaces phenylalanine 1312 with leucine.
Molecular consequence: missense variant.
Genome position (GRCh38, 1-based): chr2:86,038,798, G>C on the plus strand (C>G on the coding strand, the complement: POLR1A is on the minus strand). VCF-style: chr2-86038798-G-C. GRCh37 (hg19) VCF-style: chr2-86265921-G-C.
Other names: short protein forms F1312L.
Identifiers: ClinVar variation 1382828 (VCV001382828.8), dbSNP rs759115059, ClinGen allele CA1745638.